The following is an entry in ClinVar:

ClinVar aggregate classification (germline): Uncertain significance (0 of 4 stars; one submission).

Conditions:
GABBR2-related disorder. Also called: GABBR2-related disorders; GABBR2-related condition.

gnomAD v4.1: 2 of 1,441,518 alleles (0.00014%); highest among the groups gnomAD compares: Non-Finnish European, 0.00018%; no homozygotes.

Submission:

PreventionGenetics, part of Exact Sciences
Classification: Uncertain significance for GABBR2-related condition. Last evaluated: 2024-05-17. Review status: no assertion criteria provided. Collection method: clinical testing. Allele origin: germline.
Comment: The GABBR2 c.2788G>A variant is predicted to result in the amino acid substitution p.Val930Met. To our knowledge, this variant has not been reported in the literature or in a large population database, indicating this variant is rare. At this time, the clinical significance of this variant is uncertain due to the absence of conclusive functional and genetic evidence.

NM_005458.8(GABBR2):c.2788G>A (p.Val930Met)

Gene: GABBR2 (gamma-aminobutyric acid type B receptor subunit 2; minus strand). Cytogenetic location: 9q22.33.
Variant type: single nucleotide variant.
Coding change: c.2788G>A on transcript NM_005458.8 (MANE Select); coding-DNA position 2788, G replaced by A.
Protein change: p.Val930Met; replaces valine 930 with methionine.
Molecular consequence: missense variant.
Genome position (GRCh38, 1-based): chr9:98,290,622, C>T on the plus strand (G>A on the coding strand, the complement: GABBR2 is on the minus strand). VCF-style: chr9-98290622-C-T. GRCh37 (hg19) VCF-style: chr9-101052904-C-T.
Other names: short protein forms V930M.
Identifiers: ClinVar variation 3357076 (VCV003357076.1).
Genomic context (GRCh38, chr9:98,290,622, plus strand): 5'-CCCGGGCCCAGGCCTCCCACCCTTACAGGCCCGAGACCATGACTCGGAAGGAGGGTGGCA[C>T]ATGTCTGTGGCGGGGGCTGGCGGTGGGGCTGACGCAGGGGCTGACACAGCTGGCGTCCAC-3'
Protein context (NP_005449.5, residues 920-940): SPTASPRHRH[Val930Met]PPSFRVMVSG